The following is an entry in ClinVar:

NM_001365951.3(KIF1B):c.3266A>C (p.Lys1089Thr)

Gene: KIF1B (kinesin family member 1B; plus strand). Cytogenetic location: 1p36.22.
Variant type: single nucleotide variant.
Coding change: c.3266A>C on transcript NM_001365951.3 (MANE Select); coding-DNA position 3266, A replaced by C.
Protein change: p.Lys1089Thr; replaces lysine 1089 with threonine.
Molecular consequence: missense variant.
Genome position (GRCh38, 1-based): chr1:10,337,377, A>C. VCF-style: chr1-10337377-A-C. GRCh37 (hg19) VCF-style: chr1-10397435-A-C.
Other names: c.3266A>C, p.Lys1089Thr (NM_001365952.1); c.3128A>C, p.Lys1043Thr (NM_015074.3); short protein forms K1043T, K1089T.
Identifiers: ClinVar variation 3226436 (VCV003226436.1), dbSNP rs1652219026, ClinGen allele CA338340234.

ClinVar aggregate classification (germline): Uncertain significance (1 of 4 stars; one submission).

Allele frequency attached by ClinVar (database versions not stated): gnomAD exomes below 0.00001.
gnomAD v4.1: 4 of 1,614,172 alleles (0.00025%); highest among the groups gnomAD compares: Non-Finnish European, 0.00034%; no homozygotes.

Submission:

Ambry Genetics
Classification: Uncertain significance. Last evaluated: 2024-03-09. Review status: criteria provided, single submitter. Criteria: Ambry Variant Classification Scheme 2023. Collection method: clinical testing. Allele origin: germline.
Comment: The p.K1043T variant (also known as c.3128A>C), located in coding exon 28 of the KIF1B gene, results from an A to C substitution at nucleotide position 3128. The lysine at codon 1043 is replaced by threonine, an amino acid with similar properties. This amino acid position is conserved. In addition, the in silico prediction for this alteration is inconclusive. Based on the available evidence, the clinical significance of this alteration remains unclear.